The following is an entry in ClinVar:

NM_001271.4(CHD2):c.442C>T (p.Gln148Ter)

Gene: CHD2 (chromodomain helicase DNA binding protein 2; plus strand). Cytogenetic location: 15q26.1.
Variant type: single nucleotide variant.
Coding change: c.442C>T on transcript NM_001271.4 (MANE Select); coding-DNA position 442, C replaced by T.
Protein change: p.Gln148Ter; replaces glutamine 148 with a stop codon.
Molecular consequence: nonsense.
Genome position (GRCh38, 1-based): chr15:92,929,090, C>T. VCF-style: chr15-92929090-C-T. GRCh37 (hg19) VCF-style: chr15-93472320-C-T.
Other names: c.442C>T, p.Gln148Ter (NM_001042572.3); short protein forms Q148*.
Identifiers: ClinVar variation 3723435 (VCV003723435.2).

ClinVar aggregate classification (germline): Pathogenic (1 of 4 stars; one submission).

Conditions:
Developmental and epileptic encephalopathy 94 (DEE94). Also called: Epileptic encephalopathy, childhood-onset; CHD2-Related Neurodevelopmental Disorders. Identifiers: Orphanet 1942, Orphanet 2382, MedGen C3809278, MONDO:0014150, OMIM 615369.

Submission:

Labcorp Genetics (formerly Invitae), Labcorp
Classification: Pathogenic for Developmental and epileptic encephalopathy 94. Last evaluated: 2024-10-22. Review status: criteria provided, single submitter. Criteria: Invitae Variant Classification Sherloc (09022015). Collection method: clinical testing. Allele origin: germline.
Comment: This sequence change creates a premature translational stop signal (p.Gln148*) in the CHD2 gene. It is expected to result in an absent or disrupted protein product. Loss-of-function variants in CHD2 are known to be pathogenic (PMID: 23708187, 24207121). This variant is not present in population databases (gnomAD no frequency). This variant has not been reported in the literature in individuals affected with CHD2-related conditions. Algorithms developed to predict the effect of sequence changes on RNA splicing suggest that this variant may disrupt the consensus splice site. For these reasons, this variant has been classified as Pathogenic.

Literature cited by the submitters: PubMed 23708187; PubMed 24207121.